The following is an entry in ClinVar:

ClinVar aggregate classification (germline): Uncertain significance (1 of 4 stars; one submission).

Submission:

Ambry Genetics
Classification: Uncertain significance. Last evaluated: 2025-02-16. Review status: criteria provided, single submitter. Criteria: Ambry Variant Classification Scheme 2023. Collection method: clinical testing. Allele origin: germline.
Comment: The p.V156A variant (also known as c.467T>C), located in coding exon 1 of the PALLD gene, results from a T to C substitution at nucleotide position 467. The valine at codon 156 is replaced by alanine, an amino acid with similar properties. This amino acid position is conserved. In addition, this alteration is predicted to be tolerated by in silico analysis. Based on the available evidence, the clinical significance of this variant remains unclear.

NM_001166108.2(PALLD):c.1965-12564T>C

Gene: PALLD (palladin, cytoskeletal associated protein; plus strand). Cytogenetic location: 4q32.3.
Variant type: single nucleotide variant.
Coding change: c.1965-12564T>C on transcript NM_001166108.2 (MANE Select); 12564 bases into the intron before coding-DNA position 1965, T replaced by C.
Molecular consequence: intron variant. On other transcripts: missense variant (1).
Genome position (GRCh38, 1-based): chr4:168,878,358, T>C. VCF-style: chr4-168878358-T-C. GRCh37 (hg19) VCF-style: chr4-169799509-T-C.
Other names: c.467T>C, p.Val156Ala (NM_001166110.2); c.1965-12564T>C (NM_016081.4); c.819-12564T>C (NM_001166109.2); c.-157-12564T>C (NM_001367570.1, NM_001367568.1, NM_001367567.1 and 1 more transcripts); short protein forms V156A.
Identifiers: ClinVar variation 3885345 (VCV003885345.1).